The following is an entry in ClinVar:

ClinVar aggregate classification (germline): Uncertain significance (1 of 4 stars; one submission).

Conditions:
Spastic paraplegia. Identifiers: MedGen C0037772, HP:0001258.

Submission:

Labcorp Genetics (formerly Invitae), Labcorp
Classification: Uncertain significance for Spastic paraplegia. Last evaluated: 2020-02-05. Review status: criteria provided, single submitter. Criteria: Invitae Variant Classification Sherloc (09022015). Collection method: clinical testing. Allele origin: germline.
Comment: In summary, the available evidence is currently insufficient to determine the role of this variant in disease. Therefore, it has been classified as a Variant of Uncertain Significance. Algorithms developed to predict the effect of missense changes on protein structure and function are either unavailable or do not agree on the potential impact of this missense change (SIFT: "Tolerated"; PolyPhen-2: "Possibly Damaging"; Align-GVGD: "Class C0"). This variant has not been reported in the literature in individuals with KDM5C-related conditions. This variant is not present in population databases (ExAC no frequency). This sequence change replaces methionine with isoleucine at codon 651 of the KDM5C protein (p.Met651Ile). The methionine residue is highly conserved and there is a small physicochemical difference between methionine and isoleucine.

NM_004187.5(KDM5C):c.1953G>A (p.Met651Ile)

Gene: KDM5C (lysine demethylase 5C; minus strand). Cytogenetic location: Xp11.22.
Variant type: single nucleotide variant.
Coding change: c.1953G>A on transcript NM_004187.5 (MANE Select); coding-DNA position 1953, G replaced by A.
Protein change: p.Met651Ile; replaces methionine 651 with isoleucine.
Molecular consequence: missense variant. On other transcripts: non-coding transcript variant (3).
Genome position (GRCh38, 1-based): chrX:53,201,658, C>T on the plus strand (G>A on the coding strand, the complement: KDM5C is on the minus strand). VCF-style: chrX-53201658-C-T. GRCh37 (hg19) VCF-style: chrX-53230840-C-T.
Other names: c.1752G>A, p.Met584Ile (NM_001146702.2); c.1950G>A, p.Met650Ile (NM_001282622.3, NM_001353979.2, NM_001353982.2); c.1953G>A, p.Met651Ile (NM_001353978.3, NM_001353981.2, NM_001353984.2); short protein forms M584I, M650I, M651I.
Identifiers: ClinVar variation 1009194 (VCV001009194.9), dbSNP rs2073142756, ClinGen allele CA413123376.